The following is an entry in ClinVar:

ClinVar aggregate classification (germline): Uncertain significance (1 of 4 stars; one submission).

gnomAD v4.1: 4 of 1,598,404 alleles (0.00025%); highest among the groups gnomAD compares: Middle Eastern, 0.017%; no homozygotes.

Submission:

CeGaT Center for Human Genetics Tuebingen
Classification: Uncertain significance. Last evaluated: 2023-11-01. Review status: criteria provided, single submitter. Criteria: CeGaT Center For Human Genetics Tuebingen Variant Classification Criteria Version 2. Collection method: clinical testing. Allele origin: germline. Affected: yes. Observed: 1 variant allele.
Comment: WASF1: PM2

NM_003931.3(WASF1):c.151A>G (p.Ile51Val)

Gene: WASF1 (WASP family member 1; minus strand). Cytogenetic location: 6q21.
Variant type: single nucleotide variant.
Coding change: c.151A>G on transcript NM_003931.3 (MANE Select); coding-DNA position 151, A replaced by G.
Protein change: p.Ile51Val; replaces isoleucine 51 with valine.
Molecular consequence: missense variant.
Genome position (GRCh38, 1-based): chr6:110,113,443, T>C on the plus strand (A>G on the coding strand, the complement: WASF1 is on the minus strand). VCF-style: chr6-110113443-T-C. GRCh37 (hg19) VCF-style: chr6-110434646-T-C.
Other names: c.151A>G, p.Ile51Val (NM_001024934.2, NM_001024935.2, NM_001024936.2); short protein forms I51V.
Identifiers: ClinVar variation 2673075 (VCV002673075.23), dbSNP rs2534241013, ClinGen allele CA365352532.
Genomic context (GRCh38, chr6:110,113,443, plus strand): 5'-CTTGCAATGAGTTGACTCTGAAGGAAAAACTATGTGCTTCATTGAATAATTCTCCAAATA[T>C]ATCTTCAGCATATTTACCTAAGCAAAAATGACACATATATCATAAAATTTAACATCCAGA-3'
Protein context (NP_003922.1, residues 41-61): LSSLSKYAED[Ile51Val]FGELFNEAHS